The following is an entry in ClinVar:

ClinVar aggregate classification (germline): Uncertain significance (1 of 4 stars; one submission).

Submission:

GeneDx
Classification: Uncertain significance. Last evaluated: 2024-01-25. Review status: criteria provided, single submitter. Criteria: GeneDx Variant Classification Process June 2021. Collection method: clinical testing. Allele origin: germline. Affected: yes.
Comment: Not observed at significant frequency in large population cohorts (gnomAD); In silico analysis supports that this missense variant does not alter protein structure/function; Has not been previously published as pathogenic or benign to our knowledge

NM_002516.4(NOVA2):c.980T>C (p.Leu327Pro)

Gene: NOVA2 (NOVA alternative splicing regulator 2; minus strand). Cytogenetic location: 19q13.32.
Variant type: single nucleotide variant.
Coding change: c.980T>C on transcript NM_002516.4 (MANE Select); coding-DNA position 980, T replaced by C.
Protein change: p.Leu327Pro; replaces leucine 327 with proline.
Molecular consequence: missense variant.
Genome position (GRCh38, 1-based): chr19:45,940,362, A>G on the plus strand (T>C on the coding strand, the complement: NOVA2 is on the minus strand). VCF-style: chr19-45940362-A-G. GRCh37 (hg19) VCF-style: chr19-46443620-A-G.
Other names: short protein forms L327P.
Identifiers: ClinVar variation 3368268 (VCV003368268.1).